The following is an entry in ClinVar:

NM_001127644.2(GABRA1):c.534T>G (p.His178Gln)

Gene: GABRA1 (gamma-aminobutyric acid type A receptor subunit alpha1; plus strand). Cytogenetic location: 5q34.
Variant type: single nucleotide variant.
Coding change: c.534T>G on transcript NM_001127644.2 (MANE Select); coding-DNA position 534, T replaced by G.
Protein change: p.His178Gln; replaces histidine 178 with glutamine.
Molecular consequence: missense variant.
Genome position (GRCh38, 1-based): chr5:161,875,617, T>G. VCF-style: chr5-161875617-T-G. GRCh37 (hg19) VCF-style: chr5-161302623-T-G.
Other names: c.534T>G, p.His178Gln (NM_000806.5, NM_001127643.2, NM_001127645.2 and 1 more transcripts); short protein forms H178Q.
Identifiers: ClinVar variation 1010060 (VCV001010060.9), dbSNP rs1754314083, ClinGen allele CA362179314.

ClinVar aggregate classification (germline): Uncertain significance (1 of 4 stars; one submission).

Conditions:
Idiopathic generalized epilepsy. Also called: Generalised epilepsy; EIG. Identifiers: MedGen C0270850, MONDO:0005579, OMIM 600669.
Epilepsy, idiopathic generalized, susceptibility to, 13. Also called: EPILEPSY, JUVENILE MYOCLONIC, SUSCEPTIBILITY TO, 5. Identifiers: Orphanet 307, Orphanet 64280, MedGen C4013473, MONDO:0012627, OMIM 611136.
Epilepsy, childhood absence 4 (ECA4). Also called: EPILEPSY, CHILDHOOD ABSENCE, SUSCEPTIBILITY TO, 4. Identifiers: Orphanet 307, MedGen C1970160.

Submission:

Labcorp Genetics (formerly Invitae), Labcorp
Classification: Uncertain significance for Epilepsy, childhood absence 4; Epilepsy, idiopathic generalized, susceptibility to, 13; Idiopathic generalized epilepsy. Last evaluated: 2020-07-21. Review status: criteria provided, single submitter. Criteria: Invitae Variant Classification Sherloc (09022015). Collection method: clinical testing. Allele origin: germline.
Comment: This variant is not present in population databases (ExAC no frequency). This sequence change replaces histidine with glutamine at codon 178 of the GABRA1 protein (p.His178Gln). The histidine residue is highly conserved and there is a small physicochemical difference between histidine and glutamine. This variant has been observed in individual(s) with clinical features of GABRA1-related conditions (Invitae). In summary, the available evidence is currently insufficient to determine the role of this variant in disease. Therefore, it has been classified as a Variant of Uncertain Significance. Algorithms developed to predict the effect of sequence changes on RNA splicing suggest that this variant may create or strengthen a splice site, but this prediction has not been confirmed by published transcriptional studies. Algorithms developed to predict the effect of missense changes on protein structure and function (SIFT, PolyPhen-2, Align-GVGD) all suggest that this variant is likely to be tolerated, but these predictions have not been confirmed by published functional studies and their clinical significance is uncertain.